The following is an entry in ClinVar:

ClinVar aggregate classification (germline): Pathogenic (1 of 4 stars; one submission).

Submission:

Labcorp Genetics (formerly Invitae), Labcorp
Classification: Pathogenic. Last evaluated: 2022-07-19. Review status: criteria provided, single submitter. Criteria: Invitae Variant Classification Sherloc (09022015). Collection method: clinical testing. Allele origin: germline.
Comment: For these reasons, this variant has been classified as Pathogenic. This variant disrupts a region of the TRAPPC2 protein in which other variant(s) (p.Arg122*) have been determined to be pathogenic (PMID: 11443194; Invitae). This suggests that this is a clinically significant region of the protein, and that variants that disrupt it are likely to be disease-causing. ClinVar contains an entry for this variant (Variation ID: 1457497). This premature translational stop signal has been observed in individuals with clinical features of spondyloepiphyseal dysplasia tarda (PMID: 12446987; Invitae). This variant is not present in population databases (gnomAD no frequency). This sequence change creates a premature translational stop signal (p.Ser110*) in the TRAPPC2 gene. While this is not anticipated to result in nonsense mediated decay, it is expected to disrupt the last 31 amino acid(s) of the TRAPPC2 protein.

Literature cited by the submitters: PubMed 11443194; PubMed 12446987.

NM_001011658.4(TRAPPC2):c.329C>G (p.Ser110Ter)

Gene: TRAPPC2 (trafficking protein particle complex subunit 2; minus strand). Cytogenetic location: Xp22.2.
Variant type: single nucleotide variant.
Coding change: c.329C>G on transcript NM_001011658.4 (MANE Select); coding-DNA position 329, C replaced by G.
Protein change: p.Ser110Ter; replaces serine 110 with a stop codon.
Molecular consequence: nonsense.
Genome position (GRCh38, 1-based): chrX:13,714,501, G>C on the plus strand (C>G on the coding strand, the complement: TRAPPC2 is on the minus strand). VCF-style: chrX-13714501-G-C. GRCh37 (hg19) VCF-style: chrX-13732620-G-C.
Other names: c.431C>G, p.Ser144Ter (NM_001128835.3); c.329C>G, p.Ser110Ter (NM_014563.6); short protein forms S110*, S144*.
Identifiers: ClinVar variation 1457497 (VCV001457497.6), dbSNP rs104894949, ClinGen allele CA412322727.
Genomic context (GRCh38, chrX:13,714,501, plus strand): 5'-ACTTTTCTGTCAAATGCACTTGATCGAATAGGAGAATTGGGTTCATAAAATGGATTCATT[G>C]AAAACTAGGAAAGAAGAAAGTATTAGTGAAGCAAAAAAGCTGACAAATCTTAAGTTTCTG-3'